The following is an entry in ClinVar:

ClinVar aggregate classification (germline): Uncertain significance (1 of 4 stars; one submission).

Submission:

Labcorp Genetics (formerly Invitae), Labcorp
Classification: Uncertain significance. Last evaluated: 2022-03-14. Review status: criteria provided, single submitter. Criteria: Invitae Variant Classification Sherloc (09022015). Collection method: clinical testing. Allele origin: germline.
Comment: This variant has not been reported in the literature in individuals affected with USH2A-related conditions. In summary, the available evidence is currently insufficient to determine the role of this variant in disease. Therefore, it has been classified as a Variant of Uncertain Significance. Algorithms developed to predict the effect of sequence changes on RNA splicing suggest that this variant may disrupt the consensus splice site. This variant is not present in population databases (gnomAD no frequency). This sequence change falls in intron 55 of the USH2A gene. It does not directly change the encoded amino acid sequence of the USH2A protein.

NM_206933.4(USH2A):c.10940-7T>G

Gene: USH2A (usherin; minus strand). Cytogenetic location: 1q41.
Variant type: single nucleotide variant.
Coding change: c.10940-7T>G on transcript NM_206933.4 (MANE Select); 7 bases into the intron before coding-DNA position 10940, T replaced by G.
Molecular consequence: intron variant.
Genome position (GRCh38, 1-based): chr1:215,766,795, A>C on the plus strand (T>G on the coding strand, the complement: USH2A is on the minus strand). VCF-style: chr1-215766795-A-C. GRCh37 (hg19) VCF-style: chr1-215940137-A-C.
Identifiers: ClinVar variation 2111828 (VCV002111828.4), dbSNP rs2465098171, ClinGen allele CA2580062037.